The following is an entry in ClinVar:

ClinVar aggregate classification (germline): Likely benign. Review status: criteria provided, multiple submitters, no conflicts (2 of 4 stars). 2 submissions from 2 submitters: Likely benign (2). Last evaluated 2025-03-17.

Allele frequency attached by ClinVar (database versions not stated): ExAC 0.00007; gnomAD 0.00009 and 0.00011; TOPMed 0.00009; gnomAD exomes 0.00010 and 0.00017; ESP Exome Variant Server 0.00017.
gnomAD v4.1: 268 of 1,610,070 alleles (0.017%); highest among the groups gnomAD compares: Non-Finnish European, 0.02%; 1 homozygote.

Submissions (2):

Labcorp Genetics (formerly Invitae), Labcorp
Classification: Likely benign. Last evaluated: 2025-03-17. Review status: criteria provided, single submitter. Criteria: Invitae Variant Classification Sherloc (09022015). Collection method: clinical testing. Allele origin: germline.

CeGaT Center for Human Genetics Tuebingen
Classification: Likely benign. Last evaluated: 2024-08-01. Review status: criteria provided, single submitter. Criteria: CeGaT Center For Human Genetics Tuebingen Variant Classification Criteria Version 2. Collection method: clinical testing. Allele origin: germline. Affected: yes. Observed: 1 variant allele.
Comment: RTTN: BP4, BP7

NM_173630.4(RTTN):c.4644A>G (p.Ser1548=)

Gene: RTTN (rotatin; minus strand). Cytogenetic location: 18q22.2.
Variant type: single nucleotide variant.
Coding change: c.4644A>G on transcript NM_173630.4 (MANE Select); coding-DNA position 4644, A replaced by G.
Protein change: p.Ser1548=; no amino-acid change (serine 1548 retained).
Molecular consequence: synonymous variant.
Genome position (GRCh38, 1-based): chr18:70,073,915, T>C on the plus strand (A>G on the coding strand, the complement: RTTN is on the minus strand). VCF-style: chr18-70073915-T-C. GRCh37 (hg19) VCF-style: chr18-67741151-T-C.
Other names: c.1908A>G, p.Ser636= (NM_001318520.2).
Identifiers: ClinVar variation 1546725 (VCV001546725.24), dbSNP rs369951676, ClinGen allele CA8995191.